The following is an entry in ClinVar:

NM_001353345.2(SETD1B):c.2597T>C (p.Leu866Pro)

Gene: SETD1B (SET domain containing 1B, histone lysine methyltransferase; plus strand). Cytogenetic location: 12q24.31.
Variant type: single nucleotide variant.
Coding change: c.2597T>C on transcript NM_001353345.2 (MANE Select); coding-DNA position 2597, T replaced by C.
Protein change: p.Leu866Pro; replaces leucine 866 with proline.
Molecular consequence: missense variant.
Genome position (GRCh38, 1-based): chr12:121,814,812, T>C. VCF-style: chr12-121814812-T-C. GRCh37 (hg19) VCF-style: chr12-122252718-T-C.
Other names: short protein forms L866P.
Identifiers: ClinVar variation 4076882 (VCV004076882.1).

ClinVar aggregate classification (germline): Uncertain significance (1 of 4 stars; one submission).

Submission:

GeneDx
Classification: Uncertain significance. Last evaluated: 2025-02-20. Review status: criteria provided, single submitter. Criteria: GeneDx Variant Classification Process June 2021. Collection method: clinical testing. Allele origin: germline. Affected: yes.
Comment: Not observed at significant frequency in large population cohorts (gnomAD); In silico analysis supports that this missense variant has a deleterious effect on protein structure/function; Has not been previously published as pathogenic or benign to our knowledge